The following is an entry in ClinVar:

NM_013372.7(GREM1):c.370T>C (p.Ser124Pro)

Gene: GREM1 (gremlin 1, DAN family BMP antagonist; plus strand). Cytogenetic location: 15q13.3.
Variant type: single nucleotide variant.
Coding change: c.370T>C on transcript NM_013372.7 (MANE Select); coding-DNA position 370, T replaced by C.
Protein change: p.Ser124Pro; replaces serine 124 with proline.
Molecular consequence: missense variant.
Genome position (GRCh38, 1-based): chr15:32,731,060, T>C. VCF-style: chr15-32731060-T-C. GRCh37 (hg19) VCF-style: chr15-33023261-T-C.
Other names: c.160T>C, p.Ser54Pro (NM_001191322.2); c.247T>C, p.Ser83Pro (NM_001191323.2); c.370T>C, p.Ser124Pro (NM_001368719.1); short protein forms S124P, S54P, S83P.
Identifiers: ClinVar variation 3522512 (VCV003522512.1).

ClinVar aggregate classification (germline): Uncertain significance (1 of 4 stars; one submission).

Conditions:
Hereditary cancer-predisposing syndrome. Also called: Hereditary Cancer Syndrome; Hereditary neoplastic syndrome; Tumor predisposition; Neoplastic Syndromes, Hereditary. Identifiers: Orphanet 140162, MedGen C0027672, MeSH D009386, MONDO:0015356.

Submission:

Ambry Genetics
Classification: Uncertain significance for Hereditary cancer-predisposing syndrome. Last evaluated: 2024-09-15. Review status: criteria provided, single submitter. Criteria: Ambry Variant Classification Scheme 2023. Collection method: clinical testing. Allele origin: germline.
Comment: The p.S124P variant (also known as c.370T>C), located in coding exon 1 of the GREM1 gene, results from a T to C substitution at nucleotide position 370. The serine at codon 124 is replaced by proline, an amino acid with similar properties. This amino acid position is conserved. In addition, this alteration is predicted to be deleterious by in silico analysis. Based on the available evidence, the clinical significance of this variant remains unclear.